The following is an entry in ClinVar:

NM_007294.4(BRCA1):c.2552_2553dup (p.Leu852fs)

Gene: BRCA1 (BRCA1 DNA repair associated; minus strand). Cytogenetic location: 17q21.31.
Variant type: Duplication.
Coding change: c.2552_2553dup on transcript NM_007294.4 (MANE Select); coding-DNA positions 2552 to 2553, 2 bases duplicated (AA; older notation c.2552_2553dupAA).
Protein change: p.Leu852fs; shifts the reading frame from leucine 852.
Molecular consequence: frameshift variant. On other transcripts: intron variant (137).
Genome position (GRCh38, 1-based): chr17:43,092,978-43,092,979, TT duplicated on the plus strand (AA on the coding strand, the reverse complement: BRCA1 is on the minus strand). VCF-style (leftmost placement, unchanged base first): chr17-43092977-G-GTT. GRCh37 (hg19) VCF-style: chr17-41244994-G-GTT.
Other names: 2671insAA; c.2408_2409dup, p.Leu804fs (NM_001407848.1, NM_001407849.1, NM_001407943.1 and 20 more transcripts); c.2411_2412dup, p.Leu805fs (NM_001407850.1, NM_001407851.1, NM_001407852.1 and 29 more transcripts); c.2339_2340dup, p.Leu781fs (NM_001407853.1, NM_001407894.1, NM_001407895.1 and 9 more transcripts); c.2552_2553dup, p.Leu852fs (NM_001407854.1, NM_001407858.1, NM_001407859.1 and 30 more transcripts); c.2549_2550dup, p.Leu851fs (NM_001407860.1, NM_001407861.1, NM_001407587.1 and 22 more transcripts); c.2351_2352dup, p.Leu785fs (NM_001407862.1); c.2429_2430dup, p.Leu811fs (NM_001407863.1, NM_001407919.1, NM_001407937.1 and 19 more transcripts); and 42 more; short protein forms L805fs, L852fs, L740fs, L804fs, L851fs, L556fs, L684fs, L741fs.
Identifiers: ClinVar variation 266281 (VCV000266281.6), dbSNP rs886040051, ClinGen allele CA10589835.

ClinVar aggregate classification (germline): Pathogenic. Review status: reviewed by expert panel (3 of 4 stars). 2 submissions from 2 submitters: Pathogenic (1). 1 of the submissions does not count toward it. Last evaluated 2016-10-18.

Conditions:
Breast-ovarian cancer, familial, susceptibility to, 1 (BROVCA1). Also called: BRCA1 Hereditary Breast and Ovarian Cancer; OVARIAN CANCER, SUSCEPTIBILITY TO. Identifiers: Orphanet 145, MedGen C2676676, MONDO:0011450, OMIM 604370. Disease mechanism: loss of function.

Submissions (2):

Evidence-based Network for the Interpretation of Germline Mutant Alleles (ENIGMA)
Classification: Pathogenic for Breast-ovarian cancer, familial, susceptibility to, 1. Last evaluated: 2016-10-18. Review status: reviewed by expert panel. Criteria: ENIGMA BRCA1/2 Classification Criteria (2015). Collection method: curation. Allele origin: germline.
Comment: Variant allele predicted to encode a truncated non-functional protein.

Consortium of Investigators of Modifiers of BRCA1/2 (CIMBA), c/o University of Cambridge
Classification: Pathogenic for Breast-ovarian cancer, familial, susceptibility to, 1. Last evaluated: 2015-10-02. Review status: criteria provided, single submitter. Criteria: CIMBA Mutation Classification guidelines May 2016. Collection method: clinical testing. Allele origin: germline. Not counted in ClinVar's aggregate classification.